The following is an entry in ClinVar:

NC_000022.10:g.(?_51062794)_(51064004_?)del

Gene: ARSA (arylsulfatase A; minus strand). Cytogenetic location: 22q13.33.
Variant type: Deletion.
Identifiers: ClinVar variation 3247060 (VCV003247060.1).

ClinVar aggregate classification (germline): Pathogenic (1 of 4 stars; one submission).

Conditions:
Metachromatic leukodystrophy (MLD). Also called: ARSA DEFICIENCY; CEREBROSIDE SULFATASE DEFICIENCY; SULFATIDE LIPIDOSIS; METACHROMATIC LEUKOENCEPHALOPATHY; Cerebral sclerosis diffuse metachromatic form; Arylsulfatase A Deficiency. Identifiers: Orphanet 512, MedGen C0023522, MONDO:0018868, OMIM 250100.

Submission:

Labcorp Genetics (formerly Invitae), Labcorp
Classification: Pathogenic for Metachromatic leukodystrophy. Last evaluated: 2023-09-21. Review status: criteria provided, single submitter. Criteria: Invitae Variant Classification Sherloc (09022015). Collection method: clinical testing. Allele origin: unknown.
Comment: This variant is a gross deletion of the genomic region encompassing exon 8 of the ARSA gene, which includes the termination codon. This deletion extends beyond the assayed region for this gene and therefore may encompass additional genes. While this deletion is not anticipated to lead to nonsense mediated decay, it is expected to alter mRNA translation or result in a truncated protein product. This variant has not been reported in the literature in individuals affected with ARSA-related conditions. This variant disrupts a region of the ARSA protein in which other variant(s) (p.Cys491Gly) have been determined to be pathogenic (PMID: 15026521; Invitae). This suggests that this is a clinically significant region of the protein, and that variants that disrupt it are likely to be disease-causing. For these reasons, this variant has been classified as Pathogenic.

Literature cited by the submitters: PubMed 15026521.